The following is an entry in ClinVar:

NM_152743.4(BRAT1):c.803G>A (p.Arg268His)

Gene: BRAT1 (BRCA1 associated ATM activator 1; minus strand). Cytogenetic location: 7p22.3.
Variant type: single nucleotide variant.
Coding change: c.803G>A on transcript NM_152743.4 (MANE Select); coding-DNA position 803, G replaced by A.
Protein change: p.Arg268His; replaces arginine 268 with histidine.
Molecular consequence: missense variant. On other transcripts: non-coding transcript variant (1).
Genome position (GRCh38, 1-based): chr7:2,543,590, C>T on the plus strand (G>A on the coding strand, the complement: BRAT1 is on the minus strand). VCF-style: chr7-2543590-C-T. GRCh37 (hg19) VCF-style: chr7-2583224-C-T.
Other names: c.803G>A, p.Arg268His (NM_001350626.2); c.278G>A, p.Arg93His (NM_001350627.2); short protein forms R268H, R93H.
Identifiers: ClinVar variation 429928 (VCV000429928.2), dbSNP rs1131691679, ClinGen allele CA366631750.
Genomic context (GRCh38, chr7:2,543,590, plus strand): 5'-CGTTATCCGAGGAAAACAGTTGCCCACCCAGGCCCCCCAGCTGCGTCCCGGGGCCCTGAC[C>T]GAGCCACACAGAGAAGCAGGTCCACGAACGAGTGTGCGGCGGGGATGGGGTCTCTCTCCA-3'
Protein context (NP_689956.2, residues 258-278): SFVDLLLCVA[Arg268His]SPVFSSSDGS

ClinVar aggregate classification (germline): Pathogenic/Likely pathogenic. Review status: criteria provided, multiple submitters, no conflicts (2 of 4 stars). 2 submissions from 2 submitters: Pathogenic (1); Likely pathogenic (1). Last evaluated 2017-04-14.

Conditions:
Neonatal-onset encephalopathy with rigidity and seizures. Also called: Lethal neonatal spasticity-epileptic encephalopathy syndrome. Identifiers: Orphanet 435845, MedGen C3281029, MONDO:0013784, OMIM 614498.

gnomAD v4.1: 2 of 1,510,712 alleles (0.00013%); highest among the groups gnomAD compares: Non-Finnish European, 0.00018%; no homozygotes.

Submissions (2):

Equipe Genetique des Anomalies du Developpement, Université de Bourgogne
Classification: Pathogenic for Neonatal-onset encephalopathy with rigidity and seizures. Last evaluated: 2017-04-14. Review status: criteria provided, single submitter. Criteria: ACMG Guidelines, 2015. Collection method: clinical testing. Allele origin: inherited. Affected: yes. Observed: 1 compound heterozygote.

GeneDx
Classification: Likely pathogenic. Last evaluated: 2015-11-17. Review status: criteria provided, single submitter. Criteria: GeneDx Variant Classification (06012015). Collection method: clinical testing. Allele origin: germline. Affected: yes.
Comment: The R268H variant in the BRAT1 gene has not been reported previously as a pathogenic variant, nor as a benign variant, to our knowledge. The R268H variant was not observed in approximately 6400 individuals of European and African American ancestry in the NHLBI Exome Sequencing Project, indicating it is not a common benign variant in these populations. The R268H variant is a conservative amino acid substitution, which is not likely to impact secondary protein structure as these residues share similar properties. This substitution occurs at a position that is conserved across species. In silico analysis predicts this variant is probably damaging to the protein structure/function. The R268H variant is a strong candidate for a pathogenic variant, however the possibility it may be a rare benign variant cannot be excluded.